The following is an entry in ClinVar:

NM_007074.4(CORO1A):c.82G>A (p.Val28Met)

Gene: CORO1A (coronin 1A; plus strand). Cytogenetic location: 16p11.2.
Variant type: single nucleotide variant.
Coding change: c.82G>A on transcript NM_007074.4 (MANE Select); coding-DNA position 82, G replaced by A.
Protein change: p.Val28Met; replaces valine 28 with methionine.
Molecular consequence: missense variant.
Genome position (GRCh38, 1-based): chr16:30,185,291, G>A. VCF-style: chr16-30185291-G-A. GRCh37 (hg19) VCF-style: chr16-30196612-G-A.
Other names: c.82G>A, p.Val28Met (NM_001193333.3); short protein forms V28M.
Identifiers: ClinVar variation 2083489 (VCV002083489.4), dbSNP rs201747422, ClinGen allele CA280449301.

ClinVar aggregate classification (germline): Uncertain significance (1 of 4 stars; one submission).

Conditions:
Severe combined immunodeficiency due to CORO1A deficiency. Also called: Immunodeficiency 8; IMMUNODEFICIENCY 8 WITH LYMPHOPROLIFERATION. Identifiers: Orphanet 228003, MedGen C3809383, MONDO:0014168, OMIM 615401.

Allele frequency attached by ClinVar (database versions not stated): gnomAD exomes below 0.00001; gnomAD 0.00001; TOPMed 0.00001; 1000 Genomes Project 0.00020; 1000 Genomes Project 30x 0.00031.
gnomAD v4.1: 8 of 1,614,256 alleles (0.0005%); highest among the groups gnomAD compares: African/African-American, 0.0093%; no homozygotes.

Submission:

Labcorp Genetics (formerly Invitae), Labcorp
Classification: Uncertain significance for Severe combined immunodeficiency due to CORO1A deficiency. Last evaluated: 2025-02-17. Review status: criteria provided, single submitter. Criteria: Invitae Variant Classification Sherloc (09022015). Collection method: clinical testing. Allele origin: germline.
Comment: This sequence change replaces valine, which is neutral and non-polar, with methionine, which is neutral and non-polar, at codon 28 of the CORO1A protein (p.Val28Met). This variant is present in population databases (rs201747422, gnomAD 0.006%). This variant has not been reported in the literature in individuals affected with CORO1A-related conditions. ClinVar contains an entry for this variant (Variation ID: 2083489). Invitae Evidence Modeling of protein sequence and biophysical properties (such as structural, functional, and spatial information, amino acid conservation, physicochemical variation, residue mobility, and thermodynamic stability) indicates that this missense variant is not expected to disrupt CORO1A protein function with a negative predictive value of 80%. In summary, the available evidence is currently insufficient to determine the role of this variant in disease. Therefore, it has been classified as a Variant of Uncertain Significance.